The following is an entry in ClinVar:

NM_004415.4(DSP):c.1222A>G (p.Asn408Asp)

Gene: DSP (desmoplakin; plus strand). Cytogenetic location: 6p24.3.
Variant type: single nucleotide variant.
Coding change: c.1222A>G on transcript NM_004415.4 (MANE Select); coding-DNA position 1222, A replaced by G.
Protein change: p.Asn408Asp; replaces asparagine 408 with aspartic acid.
Molecular consequence: missense variant.
Genome position (GRCh38, 1-based): chr6:7,567,862, A>G. VCF-style: chr6-7567862-A-G. GRCh37 (hg19) VCF-style: chr6-7568095-A-G.
Other names: p.Asn408Asp; c.1222A>G, p.Asn408Asp (NM_001008844.3, NM_001319034.2); short protein forms N408D.
Identifiers: ClinVar variation 1474240 (VCV001474240.11), dbSNP rs142129767, ClinGen allele CA362676171.

ClinVar aggregate classification (germline): Conflicting classifications of pathogenicity. Review status: criteria provided, conflicting classifications (1 of 4 stars). 3 submissions from 3 submitters: Uncertain significance (2); Likely benign (1). Last evaluated 2022-12-06.

Conditions:
Cardiovascular phenotype. Identifiers: MedGen CN230736.
Arrhythmogenic right ventricular dysplasia 8 (ARVD8). Also called: ARRHYTHMOGENIC RIGHT VENTRICULAR DYSPLASIA, FAMILIAL, 8; Arrhythmogenic Right Ventricular Dysplasia/Cardiomyopathy 8; ARRHYTHMOGENIC RIGHT VENTRICULAR CARDIOMYOPATHY 8. Identifiers: MedGen C1843896, MONDO:0011831, OMIM 607450.
Arrhythmogenic cardiomyopathy with wooly hair and keratoderma. Also called: Carvajal syndrome; Arrhythmogenic cardiomyopathy with woolly hair and keratoderma; Dilated cardiomyopathy with woolly hair and keratoderma; PALMOPLANTAR KERATODERMA WITH LEFT VENTRICULAR CARDIOMYOPATHY AND WOOLLY HAIR. Identifiers: Orphanet 65282, MedGen C1854063, MONDO:0011581, OMIM 605676.

Submissions (3):

Labcorp Genetics (formerly Invitae), Labcorp
Classification: Likely benign for Arrhythmogenic cardiomyopathy with wooly hair and keratoderma; Arrhythmogenic right ventricular dysplasia 8. Last evaluated: 2022-12-06. Review status: criteria provided, single submitter. Criteria: Invitae Variant Classification Sherloc (09022015). Collection method: clinical testing. Allele origin: germline.

Ambry Genetics
Classification: Uncertain significance for Cardiovascular phenotype. Last evaluated: 2021-12-13. Review status: criteria provided, single submitter. Criteria: Ambry Variant Classification Scheme 2023. Collection method: clinical testing. Allele origin: germline.
Comment: The p.N408D variant (also known as c.1222A>G), located in coding exon 10 of the DSP gene, results from an A to G substitution at nucleotide position 1222. The asparagine at codon 408 is replaced by aspartic acid, an amino acid with highly similar properties. This amino acid position is conserved. In addition, the in silico prediction for this alteration is inconclusive. Since supporting evidence is limited at this time, the clinical significance of this alteration remains unclear.

Clinical Genomics Laboratory, Stanford Medicine
Classification: Uncertain significance for Arrhythmogenic right ventricular dysplasia 8. Last evaluated: 2021-07-21. Review status: criteria provided, single submitter. Criteria: ACMG Guidelines, 2015. Collection method: clinical testing. Allele origin: germline. Affected: yes. Observed: 1 heterozygote.
Comment: The p.Asn408Asp variant in the DSPgene has not been previously reported in association with disease. This variant has been identified in 1/18,386 East Asian chromosomes by the Genome Aggregation Database. Computational tools predict that this variant does not impact protein function; however, the accuracy of in silicoalgorithms is limited. These data were assessed using the ACMG/AMP variant interpretation guidelines. In summary, the significance of the p.Asn408Asp variant is uncertain. Additional information is needed to resolve the significance of this variant. [ACMG evidence codes used: PM2]